The following is an entry in ClinVar:

ClinVar aggregate classification (germline): Likely benign. Review status: criteria provided, multiple submitters, no conflicts (2 of 4 stars). 2 submissions from 2 submitters: Likely benign (2). Last evaluated 2026-02-02.

Allele frequency attached by ClinVar (database versions not stated): gnomAD exomes below 0.00001 and 0.00001; ExAC 0.00001; gnomAD 0.00003 and 0.00004; TOPMed 0.00003.

Submissions (2):

Labcorp Genetics (formerly Invitae), Labcorp
Classification: Likely benign. Last evaluated: 2026-02-02. Review status: criteria provided, single submitter. Criteria: Invitae Variant Classification Sherloc (09022015). Collection method: clinical testing. Allele origin: germline.

GeneDx
Classification: Likely benign. Last evaluated: 2016-11-30. Review status: criteria provided, single submitter. Criteria: GeneDx Variant Classification (06012015). Collection method: clinical testing. Allele origin: germline. Affected: yes.
Comment: This variant is considered likely benign or benign based on one or more of the following criteria: it is a conservative change, it occurs at a poorly conserved position in the protein, it is predicted to be benign by multiple in silico algorithms, and/or has population frequency not consistent with disease.

NM_006231.4(POLE):c.4551+11G>A

Gene: POLE (DNA polymerase epsilon, catalytic subunit; minus strand). Cytogenetic location: 12q24.33.
Variant type: single nucleotide variant.
Coding change: c.4551+11G>A on transcript NM_006231.4 (MANE Select); 11 bases into the intron after coding-DNA position 4551, G replaced by A.
Molecular consequence: intron variant.
Genome position (GRCh38, 1-based): chr12:132,643,213, C>T on the plus strand (G>A on the coding strand, the complement: POLE is on the minus strand). VCF-style: chr12-132643213-C-T. GRCh37 (hg19) VCF-style: chr12-133219799-C-T.
Identifiers: ClinVar variation 391471 (VCV000391471.8), dbSNP rs769356284, ClinGen allele CA6892810.